The following is an entry in ClinVar:

NM_017636.4(TRPM4):c.3311C>A (p.Pro1104Gln)

Gene: TRPM4 (transient receptor potential cation channel subfamily M member 4; plus strand). Cytogenetic location: 19q13.33.
Variant type: single nucleotide variant.
Coding change: c.3311C>A on transcript NM_017636.4 (MANE Select); coding-DNA position 3311, C replaced by A.
Protein change: p.Pro1104Gln; replaces proline 1104 with glutamine.
Molecular consequence: missense variant.
Genome position (GRCh38, 1-based): chr19:49,210,388, C>A. VCF-style: chr19-49210388-C-A. GRCh37 (hg19) VCF-style: chr19-49713645-C-A.
Other names: c.2876C>A, p.Pro959Gln (NM_001195227.2); c.2966C>A, p.Pro989Gln (NM_001321281.2); c.1703C>A, p.Pro568Gln (NM_001321282.2); c.2789C>A, p.Pro930Gln (NM_001321283.2); c.2249C>A, p.Pro750Gln (NM_001321285.2); c.3311C>A (NM_017636.3); short protein forms P1104Q, P568Q, P750Q, P930Q, P959Q, P989Q.
Identifiers: ClinVar variation 3375001 (VCV003375001.2).
Genomic context (GRCh38, chr19:49,210,388, plus strand): 5'-ACTTGCGCCTCCTGCTCAGGCAATTGTGCAGGCGACCCCGGAGCCCCCAGCCGTCCTCCC[C>A]GGCCCTCGAGCATTTCCGTAAGAACAGAGCTTGGCTTAAAAAGGAGAAATATAGGGGACC-3'
Protein context (NP_060106.2, residues 1094-1114): RRPRSPQPSS[Pro1104Gln]ALEHFRVYLS

ClinVar aggregate classification (germline): Uncertain significance. Review status: criteria provided, multiple submitters, no conflicts (2 of 4 stars). 2 submissions from 2 submitters: Uncertain significance (2). Last evaluated 2026-07-21.

Conditions:
Cardiovascular phenotype. Identifiers: MedGen CN230736.

gnomAD v4.1: 2 of 1,613,658 alleles (0.00012%); highest among the groups gnomAD compares: Admixed American, 0.0017%; no homozygotes.

Submissions (2):

Ambry Genetics
Classification: Uncertain significance for Cardiovascular phenotype. Last evaluated: 2026-07-21. Review status: criteria provided, single submitter. Criteria: Ambry Variant Classification Scheme 2023. Collection method: clinical testing. Allele origin: germline.
Comment: The p.P1104Q variant (also known as c.3311C>A), located in coding exon 21 of the TRPM4 gene, results from a C to A substitution at nucleotide position 3311. The proline at codon 1104 is replaced by glutamine, an amino acid with similar properties. This amino acid position is conserved. In addition, this alteration is predicted to be tolerated by in silico analysis. Based on the available evidence, the clinical significance of this variant remains unclear.

Women's Health and Genetics/Laboratory Corporation of America, LabCorp
Classification: Uncertain significance. Last evaluated: 2024-09-29. Review status: criteria provided, single submitter. Criteria: LabCorp Variant Classification Summary - May 2015. Collection method: clinical testing. Allele origin: germline.